The following is an entry in ClinVar:

NM_000426.4(LAMA2):c.3143C>A (p.Thr1048Asn)

Gene: LAMA2 (laminin subunit alpha 2; plus strand). Cytogenetic location: 6q22.33.
Variant type: single nucleotide variant.
Coding change: c.3143C>A on transcript NM_000426.4 (MANE Select); coding-DNA position 3143, C replaced by A.
Protein change: p.Thr1048Asn; replaces threonine 1048 with asparagine.
Molecular consequence: missense variant.
Genome position (GRCh38, 1-based): chr6:129,300,841, C>A. VCF-style: chr6-129300841-C-A. GRCh37 (hg19) VCF-style: chr6-129621986-C-A.
Other names: c.3143C>A, p.Thr1048Asn (NM_001079823.2); short protein forms T1048N.
Identifiers: ClinVar variation 847102 (VCV000847102.8), dbSNP rs1162490996, ClinGen allele CA365611539.

ClinVar aggregate classification (germline): Uncertain significance. Review status: criteria provided, multiple submitters, no conflicts (2 of 4 stars). 2 submissions from 2 submitters: Uncertain significance (2). Last evaluated 2025-06-09.

Conditions:
Inborn genetic diseases. Identifiers: MedGen C0950123, MeSH D030342.
LAMA2-related muscular dystrophy (LAMA2-RD). Also called: Laminin alpha 2-related dystrophy. Identifiers: MedGen C5679788, MONDO:0100228.

Allele frequency attached by ClinVar (database versions not stated): gnomAD exomes below 0.00001.
gnomAD v4.1: 2 of 1,613,768 alleles (0.00012%); highest among the groups gnomAD compares: Admixed American, 0.0033%; no homozygotes.

Submissions (2):

Ambry Genetics
Classification: Uncertain significance for Inborn genetic diseases. Last evaluated: 2025-06-09. Review status: criteria provided, single submitter. Criteria: Ambry Variant Classification Scheme 2023. Collection method: clinical testing. Allele origin: germline.

Labcorp Genetics (formerly Invitae), Labcorp
Classification: Uncertain significance for LAMA2-related muscular dystrophy. Last evaluated: 2024-07-29. Review status: criteria provided, single submitter. Criteria: Invitae Variant Classification Sherloc (09022015). Collection method: clinical testing. Allele origin: germline.
Comment: This sequence change replaces threonine, which is neutral and polar, with asparagine, which is neutral and polar, at codon 1048 of the LAMA2 protein (p.Thr1048Asn). This variant is present in population databases (no rsID available, gnomAD 0.003%). This variant has not been reported in the literature in individuals affected with LAMA2-related conditions. ClinVar contains an entry for this variant (Variation ID: 847102). Advanced modeling of protein sequence and biophysical properties (such as structural, functional, and spatial information, amino acid conservation, physicochemical variation, residue mobility, and thermodynamic stability) performed at Invitae indicates that this missense variant is not expected to disrupt LAMA2 protein function with a negative predictive value of 95%. In summary, the available evidence is currently insufficient to determine the role of this variant in disease. Therefore, it has been classified as a Variant of Uncertain Significance.